The following is an entry in ClinVar:

NM_001127392.3(MYRF):c.2764+3A>G

Gene: MYRF (myelin regulatory factor; plus strand). Cytogenetic location: 11q12.2.
Variant type: single nucleotide variant.
Coding change: c.2764+3A>G on transcript NM_001127392.3 (MANE Select); 3 bases into the intron after coding-DNA position 2764, A replaced by G.
Molecular consequence: intron variant.
Genome position (GRCh38, 1-based): chr11:61,781,332, A>G. VCF-style: chr11-61781332-A-G. GRCh37 (hg19) VCF-style: chr11-61548804-A-G.
Other names: c.2659+3A>G (NM_013279.4).
Identifiers: ClinVar variation 1696488 (VCV001696488.4), dbSNP rs370007301, ClinGen allele CA6038235.

ClinVar aggregate classification (germline): Uncertain significance. Review status: criteria provided, single submitter (1 of 4 stars). 2 submissions from 2 submitters: Uncertain significance (1). 1 of the submissions does not count toward it. Last evaluated 2021-06-23.

Conditions:
MYRF-related disorder. Also called: MYRF-related condition; MYRF-related disorders.
Cardiac-urogenital syndrome (CUGS). Also called: MYRF-Related Cardiac Urogenital Syndrome. Identifiers: Orphanet 647811, MedGen C4748946, MONDO:0032653, OMIM 618280.
Encephalitis/encephalopathy, mild, with reversible myelin vacuolization. Also called: ENCEPHALITIS/ENCEPHALOPATHY, MILD, WITH REVERSIBLE SPLENIAL LESION. Identifiers: MedGen C4722446, MONDO:0020853, OMIM 618113.

Allele frequency attached by ClinVar (database versions not stated): gnomAD exomes 0.00001 and 0.00003; ExAC 0.00003; ESP Exome Variant Server 0.00008; gnomAD 0.00015; TOPMed 0.00034.
gnomAD v4.1: 41 of 1,613,144 alleles (0.0025%); highest among the groups gnomAD compares: Admixed American, 0.047%; no homozygotes.

Submissions (2):

New York Genome Center
Classification: Uncertain significance for Cardiac-urogenital syndrome; Encephalitis/encephalopathy, mild, with reversible myelin vacuolization. Last evaluated: 2021-06-23. Review status: criteria provided, single submitter. Criteria: NYGC Assertion Criteria 2020. Collection method: clinical testing. Allele origin: germline. Observed: 1 heterozygote. Study: CSER-NYCKidSeq.

PreventionGenetics, part of Exact Sciences
Classification: Likely benign for MYRF-related condition. Last evaluated: 2019-09-13. Review status: no assertion criteria provided. Collection method: clinical testing. Allele origin: germline. Not counted in ClinVar's aggregate classification.
Comment: This variant is classified as likely benign based on ACMG/AMP sequence variant interpretation guidelines (Richards et al. 2015 PMID: 25741868, with internal and published modifications).